The following is an entry in ClinVar:

ClinVar aggregate classification (germline): Uncertain significance (1 of 4 stars; one submission).

Conditions:
Hypotonia, infantile, with psychomotor retardation and characteristic facies 2 (IHPRF2). Also called: UNC80 Deficiency. Identifiers: Orphanet 371364, Orphanet 700333, MedGen C4225203, MONDO:0014777, OMIM 616801.

Submission:

Neuberg Centre For Genomic Medicine, NCGM
Classification: Uncertain significance for Hypotonia, infantile, with psychomotor retardation and characteristic facies 2. Last evaluated: 2023-05-20. Review status: criteria provided, single submitter. Criteria: ACMG Guidelines, 2015. Collection method: clinical testing. Allele origin: germline. Inheritance: Autosomal recessive inheritance. Affected: yes.
Comment: The missense variant c.9193T>A(p.Phe3065Ile) in UNC80 gene has not been reported previously as a pathogenic variant nor as a benign variant, to our knowledge. The observed variant is absent in gnomAD exomes database. This variant has not been submitted to the ClinVar database. Multiple lines of computational evidence (Polyphen - benign, SIFT - damaging and MutationTaster - disease causing) predicts conflicting evidence on protein structure and function for this variant. The amino acid change p.Phe3065Ile in UNC80 is predicted as conserved by GERP++ and PhyloP across 100 vertebrates. The amino acid Phe at position 3065 is changed to a Ile changing protein sequence and it might alter its composition and physico-chemical properties. For these reasons, this variant has been classified as Uncertain Significance (VUS).

NM_001371986.1(UNC80):c.9193T>A (p.Phe3065Ile)

Gene: UNC80 (unc-80 subunit of NALCN channel complex; plus strand). Cytogenetic location: 2q34.
Variant type: single nucleotide variant.
Coding change: c.9193T>A on transcript NM_001371986.1 (MANE Select); coding-DNA position 9193, T replaced by A.
Protein change: p.Phe3065Ile; replaces phenylalanine 3065 with isoleucine.
Molecular consequence: missense variant.
Genome position (GRCh38, 1-based): chr2:209,982,253, T>A. VCF-style: chr2-209982253-T-A. GRCh37 (hg19) VCF-style: chr2-210846977-T-A.
Other names: c.8995T>A, p.Phe2999Ile (NM_032504.2); c.8980T>A, p.Phe2994Ile (NM_182587.4); short protein forms F2994I, F2999I, F3065I.
Identifiers: ClinVar variation 3367116 (VCV003367116.1).